The following is an entry in ClinVar:

ClinVar aggregate classification (germline): Pathogenic. Review status: criteria provided, multiple submitters, no conflicts (2 of 4 stars). 5 submissions from 5 submitters: Pathogenic (5). Last evaluated 2023-08-21.

Conditions:
Hereditary cancer-predisposing syndrome. Also called: Hereditary neoplastic syndrome; Tumor predisposition; Neoplastic Syndromes, Hereditary; Hereditary Cancer Syndrome. Identifiers: Orphanet 140162, MedGen C0027672, MeSH D009386, MONDO:0015356.
Lynch syndrome 5 (LYNCH5). Also called: Hereditary non-polyposis colorectal cancer, type 5; Colorectal cancer, hereditary nonpolyposis, type 5. Identifiers: Orphanet 144, MedGen C1833477, MONDO:0013710, OMIM 614350. Disease mechanism: loss of function.
Hereditary nonpolyposis colorectal neoplasms. Identifiers: MedGen C0009405, MeSH D003123.
Endometrial carcinoma. Also called: Endometrial carcinoma, somatic. Identifiers: MedGen C0476089, MONDO:0002447, OMIM 608089, HP:0012114.

Submissions (5):

Myriad Genetics, Inc.
Classification: Pathogenic for Lynch syndrome 5. Last evaluated: 2023-08-21. Review status: criteria provided, single submitter. Criteria: Myriad Autosomal Dominant, Autosomal Recessive and X-Linked Classification Criteria (2023). Collection method: clinical testing. Allele origin: unknown.
Comment: This variant is considered pathogenic. This variant creates a termination codon and is predicted to result in premature protein truncation.

Baylor Genetics
Classification: Pathogenic for Endometrial carcinoma. Last evaluated: 2022-09-23. Review status: criteria provided, single submitter. Criteria: ACMG Guidelines, 2015. Collection method: clinical testing. Allele origin: unknown.

Labcorp Genetics (formerly Invitae), Labcorp
Classification: Pathogenic for Hereditary nonpolyposis colorectal neoplasms. Last evaluated: 2022-04-11. Review status: criteria provided, single submitter. Criteria: Invitae Variant Classification Sherloc (09022015). Collection method: clinical testing. Allele origin: germline.
Comment: This premature translational stop signal has been observed in individual(s) with colorectal cancer (PMID: 28944238). This sequence change creates a premature translational stop signal (p.Tyr954*) in the MSH6 gene. It is expected to result in an absent or disrupted protein product. Loss-of-function variants in MSH6 are known to be pathogenic (PMID: 18269114, 24362816). This variant is not present in population databases (gnomAD no frequency). ClinVar contains an entry for this variant (Variation ID: 419139). For these reasons, this variant has been classified as Pathogenic.

Ambry Genetics
Classification: Pathogenic for Hereditary cancer-predisposing syndrome. Last evaluated: 2021-04-21. Review status: criteria provided, single submitter. Criteria: Ambry Variant Classification Scheme 2023. Collection method: clinical testing. Allele origin: germline.
Comment: The p.Y954* pathogenic mutation (also known as c.2862C>G), located in coding exon 4 of the MSH6 gene, results from a C to G substitution at nucleotide position 2862. This changes the amino acid from a tyrosine to a stop codon within coding exon 4. This mutation has been reported in a cohort of 1231 colorectal cancer patients (DeRycke MS et al. Mol Genet Genomic Med, 2017 Sep;5:553-569). This mutation has also been reported in a patient with mesothelioma (Latham A et al. J Clin Oncol, 2019 02;37:286-295). In addition to the clinical data presented in the literature, this alteration is expected to result in loss of function by premature protein truncation or nonsense-mediated mRNA decay. As such, this alteration is interpreted as a disease-causing mutation.

GeneDx
Classification: Pathogenic. Last evaluated: 2015-05-28. Review status: criteria provided, single submitter. Criteria: GeneDx Variant Classification (06012015). Collection method: clinical testing. Allele origin: germline. Affected: yes.
Comment: This pathogenic variant is denoted MSH6 c.2862C>G at the cDNA level and p.Tyr954Ter (Y954X) at the protein level. The substitution creates a nonsense variant, which changes a Tyrosine to a premature stop codon (TAC>TAG), and is predicted to cause loss of normal protein function through either protein truncation or nonsense-mediated mRNA decay. Although this variant has not, to our knowledge, been reported in the literature, it is considered pathogenic.

Literature cited by the submitters: PubMed 28944238 (cited by Labcorp Genetics (formerly Invitae), Labcorp and Ambry Genetics); PubMed 18269114 (cited by Labcorp Genetics (formerly Invitae), Labcorp); PubMed 24362816 (cited by Labcorp Genetics (formerly Invitae), Labcorp); PubMed 30376427 (cited by Ambry Genetics).

NM_000179.3(MSH6):c.2862C>G (p.Tyr954Ter)

Gene: MSH6 (mutS homolog 6; plus strand). Cytogenetic location: 2p16.3.
Variant type: single nucleotide variant.
Coding change: c.2862C>G on transcript NM_000179.3 (MANE Select); coding-DNA position 2862, C replaced by G.
Protein change: p.Tyr954Ter; replaces tyrosine 954 with a stop codon.
Molecular consequence: nonsense.
Genome position (GRCh38, 1-based): chr2:47,800,845, C>G. VCF-style: chr2-47800845-C-G. GRCh37 (hg19) VCF-style: chr2-48027984-C-G.
Other names: c.2472C>G, p.Tyr824Ter (NM_001281492.2); c.1956C>G, p.Tyr652Ter (NM_001281493.2, NM_001281494.2); short protein forms Y954*, Y824*, Y652*.
Identifiers: ClinVar variation 419139 (VCV000419139.13), dbSNP rs1064793671, ClinGen allele CA16617684.
Genomic context (GRCh38, chr2:47,800,845, plus strand): 5'-CTCTGATTATGACCAAGCTCTTGCTGACATAAGAGAAAATGAACAGAGCCTCCTGGAATA[C>G]CTAGAGAAACAGCGCAACAGAATTGGCTGTAGGACCATAGTCTATTGGGGGATTGGTAGG-3'